The following is an entry in ClinVar:

NM_020884.7(MYH7B):c.1344G>T (p.Gln448His)

Gene: MYH7B (myosin heavy chain 7B; plus strand). Cytogenetic location: 20q11.22.
Variant type: single nucleotide variant.
Coding change: c.1344G>T on transcript NM_020884.7 (MANE Select); coding-DNA position 1344, G replaced by T.
Protein change: p.Gln448His; replaces glutamine 448 with histidine.
Molecular consequence: missense variant.
Genome position (GRCh38, 1-based): chr20:34,987,842, G>T. VCF-style: chr20-34987842-G-T. GRCh37 (hg19) VCF-style: chr20-33575645-G-T.
Other names: short protein forms Q448H.
Identifiers: ClinVar variation 2805507 (VCV002805507.3), dbSNP rs2519151593, ClinGen allele CA408701842.

ClinVar aggregate classification (germline): Uncertain significance (1 of 4 stars; one submission).

Submission:

Labcorp Genetics (formerly Invitae), Labcorp
Classification: Uncertain significance. Last evaluated: 2023-05-20. Review status: criteria provided, single submitter. Criteria: Invitae Variant Classification Sherloc (09022015). Collection method: clinical testing. Allele origin: germline.
Comment: Advanced modeling of protein sequence and biophysical properties (such as structural, functional, and spatial information, amino acid conservation, physicochemical variation, residue mobility, and thermodynamic stability) performed at Invitae indicates that this missense variant is not expected to disrupt MYH7B protein function. In summary, the available evidence is currently insufficient to determine the role of this variant in disease. Therefore, it has been classified as a Variant of Uncertain Significance. This variant has not been reported in the literature in individuals affected with MYH7B-related conditions. This variant is not present in population databases (gnomAD no frequency). This sequence change replaces glutamine, which is neutral and polar, with histidine, which is basic and polar, at codon 490 of the MYH7B protein (p.Gln490His).